The following is an entry in ClinVar:

ClinVar aggregate classification (germline): Uncertain significance (1 of 4 stars; one submission).

Conditions:
Norman-Roberts syndrome (LIS2). Also called: Lissencephaly 2 (Norman-Roberts type). Identifiers: Orphanet 89844, MedGen C0796089, MONDO:0009760, OMIM 257320.
Familial temporal lobe epilepsy 7. Identifiers: Orphanet 101046, MedGen C4225327, MONDO:0014639, OMIM 616436.

gnomAD v4.1: 12 of 1,614,004 alleles (0.00074%); highest among the groups gnomAD compares: Non-Finnish European, 0.001%; no homozygotes.

Submission:

Labcorp Genetics (formerly Invitae), Labcorp
Classification: Uncertain significance for Familial temporal lobe epilepsy 7; Norman-Roberts syndrome. Last evaluated: 2018-02-21. Review status: criteria provided, single submitter. Criteria: Invitae Variant Classification Sherloc (09022015). Collection method: clinical testing. Allele origin: germline.
Comment: This sequence change falls in intron 50 of the RELN gene. It does not directly change the encoded amino acid sequence of the RELN protein, but it affects a nucleotide within the consensus splice site of the intron. In summary, the available evidence is currently insufficient to determine the role of this variant in disease. Therefore, it has been classified as a Variant of Uncertain Significance. Nucleotide substitutions within the consensus splice site are a relatively common cause of aberrant splicing (PMID: 17576681, 9536098). Algorithms developed to predict the effect of sequence changes on RNA splicing suggest that this variant may create or strengthen a splice site, but this prediction has not been confirmed by published transcriptional studies. This variant has not been reported in the literature in individuals with RELN-related disease. This variant is not present in population databases (ExAC no frequency).

Literature cited by the submitters: PubMed 17576681; PubMed 9536098.

NM_005045.4(RELN):c.8119+6T>G

Gene: RELN (reelin; minus strand). Cytogenetic location: 7q22.1.
Variant type: single nucleotide variant.
Coding change: c.8119+6T>G on transcript NM_005045.4 (MANE Select); 6 bases into the intron after coding-DNA position 8119, T replaced by G.
Molecular consequence: intron variant.
Genome position (GRCh38, 1-based): chr7:103,515,179, A>C on the plus strand (T>G on the coding strand, the complement: RELN is on the minus strand). VCF-style: chr7-103515179-A-C. GRCh37 (hg19) VCF-style: chr7-103155626-A-C.
Other names: c.8119+6T>G (NM_173054.3).
Identifiers: ClinVar variation 569238 (VCV000569238.8), dbSNP rs767551473, ClinGen allele CA163924333.